The following is an entry in ClinVar:

NM_017721.5(CC2D1A):c.938dup (p.Pro314fs)

Gene: CC2D1A (coiled-coil and C2 domain containing 1A; plus strand). Cytogenetic location: 19p13.12.
Variant type: Duplication.
Coding change: c.938dup on transcript NM_017721.5 (MANE Select); coding-DNA position 938, one base duplicated (C; older notation c.938dupC).
Protein change: p.Pro314fs; shifts the reading frame from proline 314.
Molecular consequence: frameshift variant.
Genome position (GRCh38, 1-based): chr19:13,918,568, C duplicated; the last of 5 consecutive C bases (chr19:13,918,564-13,918,568); duplicating any one gives the same sequence. VCF-style (leftmost placement, unchanged base first): chr19-13918563-G-GC. GRCh37 (hg19) VCF-style: chr19-14029376-G-GC.
Other names: c.938dup, p.Pro314fs (NM_001411138.1); short protein forms P314fs.
Identifiers: ClinVar variation 2752522 (VCV002752522.4), dbSNP rs750222217, ClinGen allele CA9244466.

ClinVar aggregate classification (germline): Pathogenic/Likely pathogenic. Review status: criteria provided, multiple submitters, no conflicts (2 of 4 stars). 2 submissions from 2 submitters: Pathogenic (1); Likely pathogenic (1). Last evaluated 2023-08-14.

Conditions:
CC2D1A-related disorder. Also called: CC2D1A-related condition.

Submissions (2):

Labcorp Genetics (formerly Invitae), Labcorp
Classification: Pathogenic. Last evaluated: 2023-08-14. Review status: criteria provided, single submitter. Criteria: Invitae Variant Classification Sherloc (09022015). Collection method: clinical testing. Allele origin: germline.
Comment: This variant is present in population databases (rs750222217, gnomAD 0.003%). This sequence change creates a premature translational stop signal (p.Pro314Serfs*89) in the CC2D1A gene. It is expected to result in an absent or disrupted protein product. Loss-of-function variants in CC2D1A are known to be pathogenic (PMID: 16033914). This variant has not been reported in the literature in individuals affected with CC2D1A-related conditions. For these reasons, this variant has been classified as Pathogenic.

Blueprint Genetics
Classification: Likely pathogenic for CC2D1A-related disorders. Last evaluated: 2023-06-20. Review status: criteria provided, single submitter. Criteria: ACMG Guidelines, 2015. Collection method: clinical testing. Allele origin: germline. Affected: yes. Observed: 4 variant alleles.

Literature cited by the submitters: PubMed 16033914 (cited by Labcorp Genetics (formerly Invitae), Labcorp).